The following is an entry in ClinVar:

ClinVar aggregate classification (germline): Uncertain significance (1 of 4 stars; one submission).

Conditions:
Baller-Gerold syndrome (BGS). Also called: CRANIOSYNOSTOSIS WITH RADIAL DEFECTS. Identifiers: Orphanet 1225, MedGen C0265308, MONDO:0009039, OMIM 218600.

Submission:

Labcorp Genetics (formerly Invitae), Labcorp
Classification: Uncertain significance for Baller-Gerold syndrome. Last evaluated: 2021-12-29. Review status: criteria provided, single submitter. Criteria: Invitae Variant Classification Sherloc (09022015). Collection method: clinical testing. Allele origin: germline.
Comment: In summary, the available evidence is currently insufficient to determine the role of this variant in disease. Therefore, it has been classified as a Variant of Uncertain Significance. Experimental studies and prediction algorithms are not available or were not evaluated, and the functional significance of this variant is currently unknown. This variant has not been reported in the literature in individuals affected with RECQL4-related conditions. This variant is not present in population databases (gnomAD no frequency). This sequence change replaces phenylalanine, which is neutral and non-polar, with tyrosine, which is neutral and polar, at codon 1074 of the RECQL4 protein (p.Phe1074Tyr).

NM_004260.4(RECQL4):c.3221T>A (p.Phe1074Tyr)

Gene: RECQL4 (RecQ like helicase 4; minus strand). Cytogenetic location: 8q24.3.
Variant type: single nucleotide variant.
Coding change: c.3221T>A on transcript NM_004260.4 (MANE Select); coding-DNA position 3221, T replaced by A.
Protein change: p.Phe1074Tyr; replaces phenylalanine 1074 with tyrosine.
Molecular consequence: missense variant.
Genome position (GRCh38, 1-based): chr8:144,512,159, A>T on the plus strand (T>A on the coding strand, the complement: RECQL4 is on the minus strand). VCF-style: chr8-144512159-A-T. GRCh37 (hg19) VCF-style: chr8-145737542-A-T.
Other names: c.2927T>A, p.Phe976Tyr (NM_001413017.1); c.3023T>A, p.Phe1008Tyr (NM_001413018.1); c.3296T>A, p.Phe1099Tyr (NM_001413019.1); c.3125T>A, p.Phe1042Tyr (NM_001413020.1); c.2150T>A, p.Phe717Tyr (NM_001413021.1, NM_001413022.1, NM_001413024.1 and 4 more transcripts); c.2225T>A, p.Phe742Tyr (NM_001413023.1); c.3092T>A, p.Phe1031Tyr (NM_001413025.1); c.2084T>A, p.Phe695Tyr (NM_001413027.1, NM_001413030.1, NM_001413032.1); and 9 more; short protein forms F1064Y, F695Y, F707Y, F717Y, F957Y, F1031Y, F1042Y, F585Y.
Identifiers: ClinVar variation 2064654 (VCV002064654.4), dbSNP rs2537976996, ClinGen allele CA372669738.